The following is an entry in ClinVar:

NM_001040167.2(LFNG):c.823G>A (p.Gly275Arg)

Gene: LFNG (LFNG O-fucosylpeptide 3-beta-N-acetylglucosaminyltransferase; plus strand). Cytogenetic location: 7p22.3.
Variant type: single nucleotide variant.
Coding change: c.823G>A on transcript NM_001040167.2 (MANE Select); coding-DNA position 823, G replaced by A.
Protein change: p.Gly275Arg; replaces glycine 275 with arginine.
Molecular consequence: missense variant.
Genome position (GRCh38, 1-based): chr7:2,526,245, G>A. VCF-style: chr7-2526245-G-A. GRCh37 (hg19) VCF-style: chr7-2565879-G-A.
Other names: c.823G>A, p.Gly275Arg (NM_001040168.2); c.610G>A, p.Gly204Arg (NM_001166355.2); c.436G>A, p.Gly146Arg (NM_002304.3); short protein forms G204R, G275R, G146R.
Identifiers: ClinVar variation 1350273 (VCV001350273.6), dbSNP rs771781393, ClinGen allele CA4127172.
Genomic context (GRCh38, chr7:2,526,245, plus strand): 5'-CAGCTCCCAGCAGATGGCTCCCGCCTCTGCTCACTGGTCTGGGCCCTTCCCTCCCGCAGC[G>A]GGGGTCACTTCATGAATACGGCTGAGCGGATCCGGCTGCCTGATGACTGCACCATCGGCT-3'
Protein context (NP_001035257.1, residues 265-285): LALKMSPWAS[Gly275Arg]GHFMNTAERI

ClinVar aggregate classification (germline): Uncertain significance (1 of 4 stars; one submission).

Conditions:
Spondylocostal dysostosis 3, autosomal recessive (SCDO3). Also called: LFNG-Related Spondylocostal Dysostosis, Autosomal Recessive. Identifiers: Orphanet 2311, MedGen C1853296, MONDO:0012349, OMIM 609813.

Allele frequency attached by ClinVar (database versions not stated): gnomAD 0.00006; TOPMed 0.00014.
gnomAD v4.1: 37 of 1,612,704 alleles (0.0023%); highest among the groups gnomAD compares: Middle Eastern, 0.033%; no homozygotes.

Submission:

Labcorp Genetics (formerly Invitae), Labcorp
Classification: Uncertain significance for Spondylocostal dysostosis 3, autosomal recessive. Last evaluated: 2024-10-15. Review status: criteria provided, single submitter. Criteria: Invitae Variant Classification Sherloc (09022015). Collection method: clinical testing. Allele origin: germline.
Comment: This sequence change replaces glycine, which is neutral and non-polar, with arginine, which is basic and polar, at codon 275 of the LFNG protein (p.Gly275Arg). This variant is present in population databases (rs771781393, gnomAD 0.01%). This variant has not been reported in the literature in individuals affected with LFNG-related conditions. ClinVar contains an entry for this variant (Variation ID: 1350273). An algorithm developed to predict the effect of missense changes on protein structure and function outputs the following: PolyPhen-2: "Benign". The arginine amino acid residue is found in multiple mammalian species, which suggests that this missense change does not adversely affect protein function. Algorithms developed to predict the effect of sequence changes on RNA splicing suggest that this variant may create or strengthen a splice site. In summary, the available evidence is currently insufficient to determine the role of this variant in disease. Therefore, it has been classified as a Variant of Uncertain Significance.